The following is an entry in ClinVar:

NM_001378418.1(TCF20):c.1724C>T (p.Pro575Leu)

Gene: TCF20 (transcription factor 20; minus strand). Cytogenetic location: 22q13.2.
Variant type: single nucleotide variant.
Coding change: c.1724C>T on transcript NM_001378418.1 (MANE Select); coding-DNA position 1724, C replaced by T.
Protein change: p.Pro575Leu; replaces proline 575 with leucine.
Molecular consequence: missense variant.
Genome position (GRCh38, 1-based): chr22:42,213,582, G>A on the plus strand (C>T on the coding strand, the complement: TCF20 is on the minus strand). VCF-style: chr22-42213582-G-A. GRCh37 (hg19) VCF-style: chr22-42609588-G-A.
Other names: c.1724C>T, p.Pro575Leu (NM_005650.4, NM_181492.3); short protein forms P575L.
Identifiers: ClinVar variation 2012267 (VCV002012267.4), dbSNP rs751106277, ClinGen allele CA10267133.

ClinVar aggregate classification (germline): Uncertain significance (1 of 4 stars; one submission).

Allele frequency attached by ClinVar (database versions not stated): TOPMed below 0.00001; ExAC 0.00001; gnomAD 0.00001.
gnomAD v4.1: 4 of 1,614,038 alleles (0.00025%); highest among the groups gnomAD compares: East Asian, 0.0045%; no homozygotes.

Submission:

Labcorp Genetics (formerly Invitae), Labcorp
Classification: Uncertain significance. Last evaluated: 2022-06-29. Review status: criteria provided, single submitter. Criteria: Invitae Variant Classification Sherloc (09022015). Collection method: clinical testing. Allele origin: germline.
Comment: This variant has not been reported in the literature in individuals affected with TCF20-related conditions. In summary, the available evidence is currently insufficient to determine the role of this variant in disease. Therefore, it has been classified as a Variant of Uncertain Significance. Algorithms developed to predict the effect of missense changes on protein structure and function are either unavailable or do not agree on the potential impact of this missense change (SIFT: "Deleterious"; PolyPhen-2: "Possibly Damaging"; Align-GVGD: "Class C0"). This variant is present in population databases (rs751106277, gnomAD 0.0009%). This sequence change replaces proline, which is neutral and non-polar, with leucine, which is neutral and non-polar, at codon 575 of the TCF20 protein (p.Pro575Leu).